The following is an entry in ClinVar:

NM_000426.4(LAMA2):c.4059-309T>C

Gene: LAMA2 (laminin subunit alpha 2; plus strand). Cytogenetic location: 6q22.33.
Variant type: single nucleotide variant.
Coding change: c.4059-309T>C on transcript NM_000426.4 (MANE Select); 309 bases into the intron before coding-DNA position 4059, T replaced by C.
Molecular consequence: intron variant.
Genome position (GRCh38, 1-based): chr6:129,320,229, T>C. VCF-style: chr6-129320229-T-C. GRCh37 (hg19) VCF-style: chr6-129641374-T-C.
Other names: c.4059-309T>C (NM_001079823.2).
Identifiers: ClinVar variation 671452 (VCV000671452.1), dbSNP rs12208367, ClinGen allele CA146917022.

ClinVar aggregate classification (germline): Benign (1 of 4 stars; one submission).

Allele frequency attached by ClinVar (database versions not stated): gnomAD 0.09331 and 0.08697; TOPMed 0.10108; 1000 Genomes Project 30x 0.16006; 1000 Genomes Project 0.16274.
gnomAD v4.1: 14,188 of 152,088 alleles (9.3%); highest among the groups gnomAD compares: East Asian, 43%; 1,214 homozygotes.

Submission:

GeneDx
Classification: Benign. Last evaluated: 2018-06-16. Review status: criteria provided, single submitter. Criteria: GeneDx Variant Classification (06012015). Collection method: clinical testing. Allele origin: germline. Affected: yes.
Comment: This variant is considered likely benign or benign based on one or more of the following criteria: it is a conservative change, it occurs at a poorly conserved position in the protein, it is predicted to be benign by multiple in silico algorithms, and/or has population frequency not consistent with disease.